The following is an entry in ClinVar:

ClinVar aggregate classification (germline): Uncertain significance (1 of 4 stars; one submission).

Allele frequency attached by ClinVar (database versions not stated): gnomAD 0.00003.
gnomAD v4.1: 18 of 1,613,958 alleles (0.0011%); highest among the groups gnomAD compares: Non-Finnish European, 0.0014%; no homozygotes.

Submission:

Labcorp Genetics (formerly Invitae), Labcorp
Classification: Uncertain significance. Last evaluated: 2025-11-05. Review status: criteria provided, single submitter. Criteria: Invitae Variant Classification Sherloc (09022015). Collection method: clinical testing. Allele origin: germline.
Comment: This sequence change replaces leucine, which is neutral and non-polar, with phenylalanine, which is neutral and non-polar, at codon 1643 of the CNOT1 protein (p.Leu1643Phe). This variant is present in population databases (rs200321615, gnomAD 0.01%). This variant has not been reported in the literature in individuals affected with CNOT1-related conditions. ClinVar contains an entry for this variant (Variation ID: 2099867). An algorithm developed to predict the effect of missense changes on protein structure and function (PolyPhen-2) suggests that this variant is likely to be tolerated. In summary, the available evidence is currently insufficient to determine the role of this variant in disease. Therefore, it has been classified as a Variant of Uncertain Significance.

NM_016284.5(CNOT1):c.4944A>T (p.Leu1648Phe)

Gene: CNOT1 (CCR4-NOT transcription complex subunit 1; minus strand). Cytogenetic location: 16q21.
Variant type: single nucleotide variant.
Coding change: c.4944A>T on transcript NM_016284.5 (MANE Select); coding-DNA position 4944, A replaced by T.
Protein change: p.Leu1648Phe; replaces leucine 1648 with phenylalanine.
Molecular consequence: missense variant. On other transcripts: non-coding transcript variant (1).
Genome position (GRCh38, 1-based): chr16:58,539,816, T>A on the plus strand (A>T on the coding strand, the complement: CNOT1 is on the minus strand). VCF-style: chr16-58539816-T-A. GRCh37 (hg19) VCF-style: chr16-58573720-T-A.
Other names: c.4929A>T, p.Leu1643Phe (NM_001265612.2); short protein forms L1643F, L1648F.
Identifiers: ClinVar variation 2099867 (VCV002099867.4), dbSNP rs200321615, ClinGen allele CA281678792.
Genomic context (GRCh38, chr16:58,539,816, plus strand): 5'-TTAAGAACCAACCTTTTGGAGCAATCCAAGAGCAGCTATGGCATCCCGAGAGTTTCGAGA[T>A]AAAACTACAACCTCCAAGAGACTTCGAAGAGCCTGAGCTTGAGGGTTCATGGCCAAAGTT-3'
Protein context (NP_057368.3, residues 1638-1658): ALRSLLEVVV[Leu1648Phe]SRNSRDAIAA